The following is an entry in ClinVar:

ClinVar aggregate classification (germline): Pathogenic. Review status: criteria provided, multiple submitters, no conflicts (2 of 4 stars). 2 submissions from 2 submitters: Pathogenic (2). Last evaluated 2025-10-28.

Conditions:
Ataxia-telangiectasia syndrome (AT). Also called: Ataxia telangiectasia (A-T); Ataxia-telangiectasia, complementation group D; Ataxia-telangiectasia, complementation group E; LOUIS-BAR SYNDROME; Cerebello-oculocutaneous telangiectasia; Immunodeficiency with ataxia telangiectasia. Identifiers: Orphanet 100, MedGen C0004135, MONDO:0008840, OMIM 208900.
Familial cancer of breast. Also called: Hereditary breast cancer; BREAST CANCER, FAMILIAL; hereditary breast carcinoma. Identifiers: Orphanet 227535, MedGen C0346153, MONDO:0016419, OMIM 114480. Disease mechanism: loss of function.

Submissions (2):

Labcorp Genetics (formerly Invitae), Labcorp
Classification: Pathogenic for Ataxia-telangiectasia syndrome. Last evaluated: 2025-10-28. Review status: criteria provided, single submitter. Criteria: Invitae Variant Classification Sherloc (09022015). Collection method: clinical testing. Allele origin: germline.
Comment: This sequence change creates a premature translational stop signal (p.Val1197Phefs*10) in the ATM gene. It is expected to result in an absent or disrupted protein product. Loss-of-function variants in ATM are known to be pathogenic (PMID: 23807571, 25614872). This variant is not present in population databases (gnomAD no frequency). This variant has not been reported in the literature in individuals affected with ATM-related conditions. ClinVar contains an entry for this variant (Variation ID: 3148613). For these reasons, this variant has been classified as Pathogenic.

Myriad Genetics, Inc.
Classification: Pathogenic for Familial cancer of breast. Last evaluated: 2024-01-22. Review status: criteria provided, single submitter. Criteria: Myriad Autosomal Dominant, Autosomal Recessive and X-Linked Classification Criteria (2023). Collection method: clinical testing. Allele origin: unknown.
Comment: This variant is considered pathogenic. This variant creates a frameshift predicted to result in premature protein truncation.

Literature cited by the submitters: PubMed 23807571 (cited by Labcorp Genetics (formerly Invitae), Labcorp); PubMed 25614872 (cited by Labcorp Genetics (formerly Invitae), Labcorp).

NM_000051.4(ATM):c.3589del (p.Val1197fs)

Gene: ATM (ATM serine/threonine kinase; plus strand). Cytogenetic location: 11q22.3.
Variant type: Deletion.
Coding change: c.3589del on transcript NM_000051.4 (MANE Select); coding-DNA position 3589, one base deleted (G; older notation c.3589delG).
Protein change: p.Val1197fs; shifts the reading frame from valine 1197.
Molecular consequence: frameshift variant.
Genome position (GRCh38, 1-based): chr11:108,282,722, G deleted. VCF-style (leftmost placement, unchanged base first): chr11-108282721-AG-A. GRCh37 (hg19) VCF-style: chr11-108153448-AG-A.
Other names: c.3589del, p.Val1197fs (NM_001351834.2); short protein forms V1197fs.
Identifiers: ClinVar variation 3148613 (VCV003148613.2), dbSNP rs2546878822, ClinGen allele CA2825001834.